The following is an entry in ClinVar:

NM_001365088.1(SLC12A6):c.1576A>G (p.Thr526Ala)

Gene: SLC12A6 (solute carrier family 12 member 6; minus strand). Cytogenetic location: 15q14.
Variant type: single nucleotide variant.
Coding change: c.1576A>G on transcript NM_001365088.1 (MANE Select); coding-DNA position 1576, A replaced by G.
Protein change: p.Thr526Ala; replaces threonine 526 with alanine.
Molecular consequence: missense variant.
Genome position (GRCh38, 1-based): chr15:34,250,646, T>C on the plus strand (A>G on the coding strand, the complement: SLC12A6 is on the minus strand). VCF-style: chr15-34250646-T-C. GRCh37 (hg19) VCF-style: chr15-34542847-T-C.
Other names: c.1399A>G, p.Thr467Ala (NM_001042494.2, NM_001042495.2); c.1549A>G, p.Thr517Ala (NM_001042496.2); c.1531A>G, p.Thr511Ala (NM_001042497.2); c.1423A>G, p.Thr475Ala (NM_005135.2); c.1576A>G, p.Thr526Ala (NM_133647.2); short protein forms T475A, T526A, T511A, T517A, T467A.
Identifiers: ClinVar variation 440933 (VCV000440933.9), dbSNP rs1555379629, ClinGen allele CA391605540.

ClinVar aggregate classification (germline): Uncertain significance (1 of 4 stars; one submission).

Conditions:
Agenesis of the corpus callosum with peripheral neuropathy (ACCPN). Also called: CHARLEVOIX DISEASE; Hereditary Motor and Sensory Neuropathy with Agenesis of the Corpus Callosum; POLYNEUROPATHY, SENSORIMOTOR, WITH OR WITHOUT AGENESIS OF THE CORPUS CALLOSUM; HMSN/ACC. Identifiers: Orphanet 1496, MedGen C0795950, MONDO:0000902, OMIM 218000. Disease mechanism: loss of function.

Allele frequency attached by ClinVar (database versions not stated): gnomAD exomes below 0.00001.
gnomAD v4.1: 1 of 1,578,098 alleles (0.000063%); highest among the groups gnomAD compares: Non-Finnish European, 0.000087%; no homozygotes.

Submission:

Labcorp Genetics (formerly Invitae), Labcorp
Classification: Uncertain significance. Last evaluated: 2026-01-13. Review status: criteria provided, single submitter. Criteria: Invitae Variant Classification Sherloc (09022015). Collection method: clinical testing. Allele origin: germline.
Comment: This sequence change replaces threonine, which is neutral and polar, with alanine, which is neutral and non-polar, at codon 526 of the SLC12A6 protein (p.Thr526Ala). This variant is not present in population databases (gnomAD no frequency). This missense change has been observed in individual(s) with clinical features of Charcot-Marie-Tooth disease (internal data). ClinVar contains an entry for this variant (Variation ID: 440933). Invitae Evidence Modeling of protein sequence and biophysical properties (such as structural, functional, and spatial information, amino acid conservation, physicochemical variation, residue mobility, and thermodynamic stability) has been performed for this missense variant. However, the output from this modeling did not meet the statistical confidence thresholds required to predict the impact of this variant on SLC12A6 protein function. In summary, the available evidence is currently insufficient to determine the role of this variant in disease. Therefore, it has been classified as a Variant of Uncertain Significance.